The following is an entry in ClinVar:

ClinVar aggregate classification (germline): Uncertain significance. Review status: criteria provided, multiple submitters, no conflicts (2 of 4 stars). 4 submissions from 4 submitters: Uncertain significance (4). Last evaluated 2025-12-22.

Conditions:
Hereditary cancer-predisposing syndrome. Also called: Hereditary Cancer Syndrome; Neoplastic Syndromes, Hereditary; Tumor predisposition; Hereditary neoplastic syndrome. Identifiers: Orphanet 140162, MedGen C0027672, MeSH D009386, MONDO:0015356.
Hereditary nonpolyposis colorectal neoplasms. Identifiers: MedGen C0009405, MeSH D003123.

Allele frequency attached by ClinVar (database versions not stated): gnomAD exomes below 0.00001.
gnomAD v4.1: 1 of 1,613,566 alleles (0.000062%); highest among the groups gnomAD compares: Non-Finnish European, 0.000085%; no homozygotes.

Submissions (4):

Praxis Für Humangenetik, Biosciencia MVZ Labor Saar
Classification: Uncertain significance for Hereditary cancer-predisposing syndrome. Last evaluated: 2025-12-22. Review status: criteria provided, single submitter. Criteria: ACMG Guidelines, 2015. Collection method: clinical testing. Allele origin: germline.
Comment: PM2

Labcorp Genetics (formerly Invitae), Labcorp
Classification: Uncertain significance for Hereditary nonpolyposis colorectal neoplasms. Last evaluated: 2025-12-09. Review status: criteria provided, single submitter. Criteria: Invitae Variant Classification Sherloc (09022015). Collection method: clinical testing. Allele origin: germline.
Comment: This sequence change replaces tyrosine, which is neutral and polar, with cysteine, which is neutral and slightly polar, at codon 181 of the PMS2 protein (p.Tyr181Cys). This variant is not present in population databases (gnomAD no frequency). This variant has not been reported in the literature in individuals affected with PMS2-related conditions. ClinVar contains an entry for this variant (Variation ID: 566371). Invitae Evidence Modeling incorporating data from in vitro experimental studies (internal data) indicates that this missense variant is not expected to disrupt PMS2 function with a negative predictive value of 95%. In summary, the available evidence is currently insufficient to determine the role of this variant in disease. Therefore, it has been classified as a Variant of Uncertain Significance.

Ambry Genetics
Classification: Uncertain significance for Hereditary cancer-predisposing syndrome. Last evaluated: 2025-09-01. Review status: criteria provided, single submitter. Criteria: Ambry Variant Classification Scheme 2023. Collection method: clinical testing. Allele origin: germline.
Comment: The p.Y181C variant (also known as c.542A>G), located in coding exon 6 of the PMS2 gene, results from an A to G substitution at nucleotide position 542. The tyrosine at codon 181 is replaced by cysteine, an amino acid with highly dissimilar properties. This amino acid position is not well conserved in available vertebrate species. In addition, the in silico prediction for this alteration is inconclusive. Since supporting evidence is limited at this time, the clinical significance of this alteration remains unclear.

Color Diagnostics, LLC DBA Color Health
Classification: Uncertain significance for Hereditary cancer-predisposing syndrome. Last evaluated: 2023-03-20. Review status: criteria provided, single submitter. Criteria: ACMG Guidelines, 2015. Collection method: clinical testing. Allele origin: germline.
Comment: This missense variant replaces tyrosine with cysteine at codon 181 of the PMS2 protein. Computational prediction is inconclusive regarding the impact of this variant on protein structure and function (internally defined REVEL score threshold 0.5 < inconclusive < 0.7, PMID: 27666373). To our knowledge, functional studies have not been reported for this variant. This variant has not been reported in individuals affected with PMS2-related disorders in the literature. This variant has not been identified in the general population by the Genome Aggregation Database (gnomAD). The available evidence is insufficient to determine the role of this variant in disease conclusively. Therefore, this variant is classified as a Variant of Uncertain Significance.

NM_000535.7(PMS2):c.542A>G (p.Tyr181Cys)

Gene: PMS2 (PMS1 homolog 2, mismatch repair system component; minus strand). Cytogenetic location: 7p22.1.
Variant type: single nucleotide variant.
Coding change: c.542A>G on transcript NM_000535.7 (MANE Select); coding-DNA position 542, A replaced by G.
Protein change: p.Tyr181Cys; replaces tyrosine 181 with cysteine.
Molecular consequence: missense variant. On other transcripts: non-coding transcript variant (1), intron variant (3).
Genome position (GRCh38, 1-based): chr7:5,999,271, T>C on the plus strand (A>G on the coding strand, the complement: PMS2 is on the minus strand). VCF-style: chr7-5999271-T-C. GRCh37 (hg19) VCF-style: chr7-6038902-T-C.
Other names: c.137A>G, p.Tyr46Cys (NM_001322003.2, NM_001322004.2, NM_001322005.2 and 2 more transcripts); c.542A>G, p.Tyr181Cys (NM_001322006.2, NM_001322014.2); c.224A>G, p.Tyr75Cys (NM_001322007.2, NM_001322008.2); c.233A>G, p.Tyr78Cys (NM_001322015.2); c.133-1848A>G (NM_001322013.2); c.-347-45A>G (NM_001322012.2, NM_001322011.2); short protein forms Y181C, Y46C, Y78C, Y75C.
Identifiers: ClinVar variation 566371 (VCV000566371.18), dbSNP rs863224681, ClinGen allele CA153242064.